The following is an entry in ClinVar:

ClinVar aggregate classification (germline): Uncertain significance (1 of 4 stars; one submission).

Conditions:
6-Pyruvoyl-tetrahydrobiopterin synthase deficiency. Also called: 6-Pyruvoyltetrahydropterin Synthase Deficiency; HYPERPHENYLALANINEMIA, TETRAHYDROBIOPTERIN-DEFICIENT, DUE TO PTS DEFICIENCY; BH4-deficient hyperphenylalaninemia A; PTS-Related Tetrahydrobiopterin Deficiency; PTS DEFICIENCY; Hyperphenylalanemia, BH4-deficient, A. Identifiers: Orphanet 13, Orphanet 238583, MedGen C0878676, MONDO:0009863, OMIM 261640.

Submission:

Labcorp Genetics (formerly Invitae), Labcorp
Classification: Uncertain significance for 6-Pyruvoyl-tetrahydrobiopterin synthase deficiency. Last evaluated: 2021-08-14. Review status: criteria provided, single submitter. Criteria: Invitae Variant Classification Sherloc (09022015). Collection method: clinical testing. Allele origin: germline.
Comment: In summary, the available evidence is currently insufficient to determine the role of this variant in disease. Therefore, it has been classified as a Variant of Uncertain Significance. Algorithms developed to predict the effect of missense changes on protein structure and function (SIFT, PolyPhen-2, Align-GVGD) all suggest that this variant is likely to be tolerated. This variant has not been reported in the literature in individuals affected with PTS-related conditions. This variant is not present in population databases (ExAC no frequency). This sequence change replaces proline with threonine at codon 46 of the PTS protein (p.Pro46Thr). The proline residue is highly conserved and there is a small physicochemical difference between proline and threonine.

NM_000317.3(PTS):c.136C>A (p.Pro46Thr)

Gene: PTS (6-pyruvoyltetrahydropterin synthase; plus strand). Cytogenetic location: 11q23.1.
Variant type: single nucleotide variant.
Coding change: c.136C>A on transcript NM_000317.3 (MANE Select); coding-DNA position 136, C replaced by A.
Protein change: p.Pro46Thr; replaces proline 46 with threonine.
Molecular consequence: missense variant.
Genome position (GRCh38, 1-based): chr11:112,228,646, C>A. VCF-style: chr11-112228646-C-A. GRCh37 (hg19) VCF-style: chr11-112099369-C-A.
Other names: short protein forms P46T.
Identifiers: ClinVar variation 1429485 (VCV001429485.6), dbSNP rs2135408262, ClinGen allele CA382627077.
Genomic context (GRCh38, chr11:112,228,646, plus strand): 5'-TTGGTCAGTAAATTTCTAAGTGATGAAGAAAACTTGAAACTGTTTGGGAAATGCAACAAT[C>A]CAAATGGCCATGGGCACAATTATAAAGGTGAGAGAAAAACTGATGACATTTCAGCCCTTC-3'
Protein context (NP_000308.1, residues 36-56): NLKLFGKCNN[Pro46Thr]NGHGHNYKVV